The following is an entry in ClinVar:

ClinVar aggregate classification (germline): Uncertain significance (1 of 4 stars; one submission).

gnomAD v4.1: 2 of 1,613,832 alleles (0.00012%); no homozygotes.

Submission:

Labcorp Genetics (formerly Invitae), Labcorp
Classification: Uncertain significance. Last evaluated: 2021-12-15. Review status: criteria provided, single submitter. Criteria: Invitae Variant Classification Sherloc (09022015). Collection method: clinical testing. Allele origin: germline.
Comment: This sequence change replaces histidine, which is basic and polar, with arginine, which is basic and polar, at codon 155 of the CACNA2D4 protein (p.His155Arg). This variant is not present in population databases (gnomAD no frequency). This variant has not been reported in the literature in individuals affected with CACNA2D4-related conditions. Algorithms developed to predict the effect of missense changes on protein structure and function are either unavailable or do not agree on the potential impact of this missense change (SIFT: "Deleterious"; PolyPhen-2: "Possibly Damaging"; Align-GVGD: "Class C0"). In summary, the available evidence is currently insufficient to determine the role of this variant in disease. Therefore, it has been classified as a Variant of Uncertain Significance.

NM_172364.5(CACNA2D4):c.464A>G (p.His155Arg)

Gene: CACNA2D4 (calcium voltage-gated channel auxiliary subunit alpha2delta 4; minus strand). Cytogenetic location: 12p13.33.
Variant type: single nucleotide variant.
Coding change: c.464A>G on transcript NM_172364.5 (MANE Select); coding-DNA position 464, A replaced by G.
Protein change: p.His155Arg; replaces histidine 155 with arginine.
Molecular consequence: missense variant.
Genome position (GRCh38, 1-based): chr12:1,909,928, T>C on the plus strand (A>G on the coding strand, the complement: CACNA2D4 is on the minus strand). VCF-style: chr12-1909928-T-C. GRCh37 (hg19) VCF-style: chr12-2019094-T-C.
Other names: short protein forms H155R.
Identifiers: ClinVar variation 1968115 (VCV001968115.5), dbSNP rs2497340350, ClinGen allele CA383364759.